The following is an entry in ClinVar:

NM_001037.5(SCN1B):c.448+226G>C

Gene: SCN1B (sodium voltage-gated channel beta subunit 1; plus strand). Cytogenetic location: 19q13.11.
Variant type: single nucleotide variant.
Coding change: c.448+226G>C on transcript NM_001037.5 (MANE Select); 226 bases into the intron after coding-DNA position 448, G replaced by C.
Molecular consequence: intron variant. On other transcripts: missense variant (1).
Genome position (GRCh38, 1-based): chr19:35,033,965, G>C. VCF-style: chr19-35033965-G-C. GRCh37 (hg19) VCF-style: chr19-35524869-G-C.
Other names: c.674G>C, p.Arg225Pro (NM_199037.5); c.349+226G>C (NM_001321605.2); short protein forms R225P.
Identifiers: ClinVar variation 4075530 (VCV004075530.1).

ClinVar aggregate classification (germline): Uncertain significance (1 of 4 stars; one submission).

Submission:

GeneDx
Classification: Uncertain significance. Last evaluated: 2025-02-14. Review status: criteria provided, single submitter. Criteria: GeneDx Variant Classification Process June 2021. Collection method: clinical testing. Allele origin: germline. Affected: yes.
Comment: Not observed at significant frequency in large population cohorts (gnomAD); In silico analysis indicates that this missense variant does not alter protein structure/function; Has not been previously published as pathogenic or benign to our knowledge; Reported using an alternate transcript of the gene